The following is an entry in ClinVar:

NM_003590.5(CUL3):c.1274A>G (p.Lys425Arg)

Gene: CUL3 (cullin 3; minus strand). Cytogenetic location: 2q36.2.
Variant type: single nucleotide variant.
Coding change: c.1274A>G on transcript NM_003590.5 (MANE Select); coding-DNA position 1274, A replaced by G.
Protein change: p.Lys425Arg; replaces lysine 425 with arginine.
Molecular consequence: missense variant.
Genome position (GRCh38, 1-based): chr2:224,503,755, T>C on the plus strand (A>G on the coding strand, the complement: CUL3 is on the minus strand). VCF-style: chr2-224503755-T-C. GRCh37 (hg19) VCF-style: chr2-225368472-T-C.
Other names: c.1076A>G, p.Lys359Arg (NM_001257197.2); c.1292A>G, p.Lys431Arg (NM_001257198.2); short protein forms K359R, K425R, K431R.
Identifiers: ClinVar variation 3370769 (VCV003370769.1).

ClinVar aggregate classification (germline): Uncertain significance (1 of 4 stars; one submission).

Submission:

GeneDx
Classification: Uncertain significance. Last evaluated: 2024-03-10. Review status: criteria provided, single submitter. Criteria: GeneDx Variant Classification Process June 2021. Collection method: clinical testing. Allele origin: germline. Affected: yes.
Comment: Not observed at significant frequency in large population cohorts (gnomAD); In silico analysis supports that this missense variant has a deleterious effect on protein structure/function; Has not been previously published as pathogenic or benign to our knowledge